The following is an entry in ClinVar:

ClinVar aggregate classification (germline): Uncertain significance (1 of 4 stars; one submission).

Conditions:
Hereditary cancer-predisposing syndrome. Also called: Hereditary Cancer Syndrome; Hereditary neoplastic syndrome; Neoplastic Syndromes, Hereditary; Tumor predisposition. Identifiers: Orphanet 140162, MedGen C0027672, MeSH D009386, MONDO:0015356.

Submission:

Ambry Genetics
Classification: Uncertain significance for Hereditary cancer-predisposing syndrome. Last evaluated: 2026-08-27. Review status: criteria provided, single submitter. Criteria: Ambry Variant Classification Scheme 2023. Collection method: clinical testing. Allele origin: germline.
Comment: The p.R791S variant (also known as c.2371C>A), located in coding exon 4 of the MSH6 gene, results from a C to A substitution at nucleotide position 2371. The arginine at codon 791 is replaced by serine, an amino acid with dissimilar properties. This amino acid position is conserved. In addition, this alteration is predicted to be deleterious by in silico analysis. Based on the available evidence, the clinical significance of this variant remains unclear.

NM_000179.3(MSH6):c.2371C>A (p.Arg791Ser)

Gene: MSH6 (mutS homolog 6; plus strand). Cytogenetic location: 2p16.3.
Variant type: single nucleotide variant.
Coding change: c.2371C>A on transcript NM_000179.3 (MANE Select); coding-DNA position 2371, C replaced by A.
Protein change: p.Arg791Ser; replaces arginine 791 with serine.
Molecular consequence: missense variant. On other transcripts: non-coding transcript variant (5), intron variant (3).
Genome position (GRCh38, 1-based): chr2:47,800,354, C>A. VCF-style: chr2-47800354-C-A. GRCh37 (hg19) VCF-style: chr2-48027493-C-A.
Other names: c.1981C>A, p.Arg661Ser (NM_001281492.2); c.1465C>A, p.Arg489Ser (NM_001281493.2, NM_001281494.2, NM_001406811.1 and 6 more transcripts); c.2467C>A, p.Arg823Ser (NM_001406795.1, NM_001406802.1); c.2371C>A, p.Arg791Ser (NM_001406796.1, NM_001406798.1, NM_001406800.1 and 2 more transcripts); c.2074C>A, p.Arg692Ser (NM_001406797.1, NM_001406801.1, NM_001406805.1 and 10 more transcripts); c.1846C>A, p.Arg616Ser (NM_001406799.1, NM_001406806.1, NM_001406807.1); c.2293C>A, p.Arg765Ser (NM_001406804.1); c.2203C>A, p.Arg735Ser (NM_001406826.1); and 4 more; short protein forms R489S, R661S, R692S, R735S, R823S, R791S, R616S, R765S.
Identifiers: ClinVar variation 4657568 (VCV004657568.2).